The following is an entry in ClinVar:

NM_000382.3(ALDH3A2):c.715del (p.Gln239fs)

Gene: ALDH3A2 (aldehyde dehydrogenase 3 family member A2; plus strand). Cytogenetic location: 17p11.2.
Variant type: Deletion.
Coding change: c.715del on transcript NM_000382.3 (MANE Select); coding-DNA position 715, one base deleted (C; older notation c.715delC).
Protein change: p.Gln239fs; shifts the reading frame from glutamine 239.
Molecular consequence: frameshift variant.
Genome position (GRCh38, 1-based): chr17:19,657,779, C deleted; the last of 2 consecutive C bases (chr17:19,657,778-19,657,779); deleting either gives the same sequence. VCF-style (leftmost placement, unchanged base first): chr17-19657777-GC-G. GRCh37 (hg19) VCF-style: chr17-19561090-GC-G.
Other names: c.715del, p.Gln239fs (NM_001031806.2, NM_001369136.1, NM_001369137.2 and 3 more transcripts); c.136del, p.Gln46fs (NM_001369148.2); short protein forms Q239fs, Q46fs.
Identifiers: ClinVar variation 2103941 (VCV002103941.4), dbSNP rs2544375856, ClinGen allele CA2580092744.
Genomic context (GRCh38, chr17:19,657,777, plus strand): 5'-ATAGCTGTTCTGGATGTTTTCCCCTCAGACGCATAACCTGGGGAAAATACATGAATTGTG[GC>G]CAAACCTGCATTGCACCCGACTATATTCTCTGTGAAGCATCCCTCCAAAATCAAATTGTA-3'

ClinVar aggregate classification (germline): Pathogenic (1 of 4 stars; one submission).

Submission:

Labcorp Genetics (formerly Invitae), Labcorp
Classification: Pathogenic. Last evaluated: 2022-03-17. Review status: criteria provided, single submitter. Criteria: Invitae Variant Classification Sherloc (09022015). Collection method: clinical testing. Allele origin: germline.
Comment: This sequence change creates a premature translational stop signal (p.Gln239Lysfs*27) in the ALDH3A2 gene. It is expected to result in an absent or disrupted protein product. Loss-of-function variants in ALDH3A2 are known to be pathogenic (PMID: 10577908, 10854114). This variant is not present in population databases (gnomAD no frequency). This variant has not been reported in the literature in individuals affected with ALDH3A2-related conditions. For these reasons, this variant has been classified as Pathogenic.

Literature cited by the submitters: PubMed 10577908; PubMed 10854114.